The following is an entry in ClinVar:

NC_000016.10:g.(89784965_89791402)_(89799639_89803258)del

Gene: FANCA (FA complementation group A; minus strand). Cytogenetic location: 16q24.3.
Variant type: Deletion.
Identifiers: ClinVar variation 974100 (VCV000974100.1).

ClinVar aggregate classification (germline): Uncertain significance (0 of 4 stars; one submission).

Conditions:
Fanconi anemia complementation group A (FANCA). Also called: Fanconi anemia, group A; FANCA-Related Fanconi Anemia. Identifiers: Orphanet 84, MedGen C3469521, MONDO:0009215, OMIM 227650.

Submission:

Leiden Open Variation Database
Classification: Uncertain significance for Fanconi anemia complementation group A. Last evaluated: 2020-02-28. Review status: no assertion criteria provided. Collection method: curation. Allele origin: germline. Affected: yes.
Comment: Curator: Arleen D. Auerbach. Submitter to LOVD: Arleen D. Auerbach.